The following is an entry in ClinVar:

NM_005430.4(WNT1):c.725T>C (p.Val242Ala)

Gene: WNT1 (Wnt family member 1; plus strand). Cytogenetic location: 12q13.12.
Variant type: single nucleotide variant.
Coding change: c.725T>C on transcript NM_005430.4 (MANE Select); coding-DNA position 725, T replaced by C.
Protein change: p.Val242Ala; replaces valine 242 with alanine.
Molecular consequence: missense variant.
Genome position (GRCh38, 1-based): chr12:48,981,252, T>C. VCF-style: chr12-48981252-T-C. GRCh37 (hg19) VCF-style: chr12-49375035-T-C.
Other names: short protein forms V242A.
Identifiers: ClinVar variation 1958889 (VCV001958889.5), dbSNP rs781398715, ClinGen allele CA6544462.

ClinVar aggregate classification (germline): Uncertain significance (1 of 4 stars; one submission).

Allele frequency attached by ClinVar (database versions not stated): ExAC 0.00001.

Submission:

Labcorp Genetics (formerly Invitae), Labcorp
Classification: Uncertain significance. Last evaluated: 2025-03-17. Review status: criteria provided, single submitter. Criteria: Invitae Variant Classification Sherloc (09022015). Collection method: clinical testing. Allele origin: germline.
Comment: This sequence change replaces valine, which is neutral and non-polar, with alanine, which is neutral and non-polar, at codon 242 of the WNT1 protein (p.Val242Ala). This variant is present in population databases (rs781398715, gnomAD 0.001%). This variant has not been reported in the literature in individuals affected with WNT1-related conditions. ClinVar contains an entry for this variant (Variation ID: 1958889). Invitae Evidence Modeling of protein sequence and biophysical properties (such as structural, functional, and spatial information, amino acid conservation, physicochemical variation, residue mobility, and thermodynamic stability) indicates that this missense variant is not expected to disrupt WNT1 protein function with a negative predictive value of 80%. In summary, the available evidence is currently insufficient to determine the role of this variant in disease. Therefore, it has been classified as a Variant of Uncertain Significance.